The following is an entry in ClinVar:

ClinVar aggregate classification (germline): Likely benign. Review status: criteria provided, multiple submitters, no conflicts (2 of 4 stars). 2 submissions from 2 submitters: Likely benign (2). Last evaluated 2019-07-11.

Conditions:
Inborn genetic diseases. Identifiers: MedGen C0950123, MeSH D030342.

Allele frequency attached by ClinVar (database versions not stated): ESP Exome Variant Server 0.00008; ExAC 0.00001; gnomAD exomes 0.00001.
gnomAD v4.1: 8 of 1,613,878 alleles (0.0005%); highest among the groups gnomAD compares: Non-Finnish European, 0.00068%; no homozygotes.

Submissions (2):

Ambry Genetics
Classification: Likely benign for Inborn genetic diseases. Last evaluated: 2019-07-11. Review status: criteria provided, single submitter. Criteria: Ambry Variant Classification Scheme 2023. Collection method: clinical testing. Allele origin: germline.

GeneDx
Classification: Likely benign. Last evaluated: 2016-11-10. Review status: criteria provided, single submitter. Criteria: GeneDx Variant Classification (06012015). Collection method: clinical testing. Allele origin: germline. Affected: yes.
Comment: This variant is considered likely benign or benign based on one or more of the following criteria: it is a conservative change, it occurs at a poorly conserved position in the protein, it is predicted to be benign by multiple in silico algorithms, and/or has population frequency not consistent with disease.

NM_020631.6(PLEKHG5):c.1914C>T (p.Cys638=)

Gene: PLEKHG5 (pleckstrin homology and RhoGEF domain containing G5; minus strand). Cytogenetic location: 1p36.31.
Variant type: single nucleotide variant.
Coding change: c.1914C>T on transcript NM_020631.6 (MANE Select); coding-DNA position 1914, C replaced by T.
Protein change: p.Cys638=; no amino-acid change (cysteine 638 retained).
Molecular consequence: synonymous variant.
Genome position (GRCh38, 1-based): chr1:6,469,563, G>A on the plus strand (C>T on the coding strand, the complement: PLEKHG5 is on the minus strand). VCF-style: chr1-6469563-G-A. GRCh37 (hg19) VCF-style: chr1-6529623-G-A.
Other names: c.2025C>T, p.Cys675= (NM_001042663.3, NM_001265592.2); c.1914C>T, p.Cys638= (NM_001042664.2, NM_001042665.2, NM_001265594.3 and 1 more transcripts); c.2121C>T, p.Cys707= (NM_001265593.2).
Identifiers: ClinVar variation 390910 (VCV000390910.3), dbSNP rs373154779, ClinGen allele CA561320.